The following is an entry in ClinVar:

ClinVar aggregate classification (germline): Benign (1 of 4 stars; one submission).

Conditions:
Fibrous dysplasia of jaw (CRBM). Also called: Cherubism. Identifiers: Orphanet 184, MedGen C0008029, MONDO:0007315, OMIM 118400.

Allele frequency attached by ClinVar (database versions not stated): gnomAD 0.00256 and 0.00292; TOPMed 0.00339; 1000 Genomes Project 30x 0.00578; 1000 Genomes Project 0.00579.

Submission:

Illumina Laboratory Services, Illumina
Classification: Benign for Fibrous dysplasia of jaw. Last evaluated: 2018-01-13. Review status: criteria provided, single submitter. Criteria: ICSL Variant Classification Criteria 13 December 2019. Collection method: clinical testing. Allele origin: germline.
Comment: This variant was observed in the ICSL laboratory as part of a predisposition screen in an ostensibly healthy population. It had not been previously curated by ICSL or reported in the Human Gene Mutation Database (HGMD: prior to June 1st, 2018), and was therefore a candidate for classification through an automated scoring system. Utilizing variant allele frequency, disease prevalence and penetrance estimates, and inheritance mode, an automated score was calculated to assess if this variant is too frequent to cause the disease. Based on the score and internal cut-off values, a variant classified as benign is not then subjected to further curation. The score for this variant resulted in a classification of benign for this disease.

NM_001122681.2(SH3BP2):c.*5972C>T

Gene: SH3BP2 (SH3 domain binding protein 2; plus strand). Cytogenetic location: 4p16.3.
Variant type: single nucleotide variant.
Coding change: c.*5972C>T on transcript NM_001122681.2 (MANE Select); 5972 bases downstream of the stop codon, C replaced by T.
Molecular consequence: 3 prime UTR variant.
Genome position (GRCh38, 1-based): chr4:2,839,806, C>T. VCF-style: chr4-2839806-C-T. GRCh37 (hg19) VCF-style: chr4-2841533-C-T.
Other names: c.*5972C>T (LRG_1334t2, LRG_1334t1, NM_001145855.2 and 2 more transcripts).
Identifiers: ClinVar variation 348696 (VCV000348696.5), dbSNP rs75269237, ClinGen allele CA10620984.
Genomic context (GRCh38, chr4:2,839,806, plus strand): 5'-TTTTTAGAGATAGGATCTTACTATGCCCCAGCTGGTCTCAAACTCCTAGACTCAATGAGC[C>T]TCCCATCTTGACCTCCCAAAGTGCTGGGAGTACAGGCATGAGCCACTGTGCATGCCAGTT-3'